The following is an entry in ClinVar:

ClinVar aggregate classification (germline): Uncertain significance (1 of 4 stars; one submission).

gnomAD v4.1: 260 of 1,614,040 alleles (0.016%); highest among the groups gnomAD compares: Non-Finnish European, 0.021%; no homozygotes.

Submission:

CeGaT Center for Human Genetics Tuebingen
Classification: Uncertain significance. Last evaluated: 2025-04-01. Review status: criteria provided, single submitter. Criteria: CeGaT Center For Human Genetics Tuebingen Variant Classification Criteria Version 2. Collection method: clinical testing. Allele origin: germline. Affected: yes. Observed: 1 variant allele.
Comment: KDM5A: PP3

NM_001042603.3(KDM5A):c.4831G>A (p.Ala1611Thr)

Gene: KDM5A (lysine demethylase 5A; minus strand). Cytogenetic location: 12p13.33.
Variant type: single nucleotide variant.
Coding change: c.4831G>A on transcript NM_001042603.3 (MANE Select); coding-DNA position 4831, G replaced by A.
Protein change: p.Ala1611Thr; replaces alanine 1611 with threonine.
Molecular consequence: missense variant.
Genome position (GRCh38, 1-based): chr12:292,794, C>T on the plus strand (G>A on the coding strand, the complement: KDM5A is on the minus strand). VCF-style: chr12-292794-C-T. GRCh37 (hg19) VCF-style: chr12-401960-C-T.
Other names: short protein forms A1611T.
Identifiers: ClinVar variation 3898125 (VCV003898125.7).
Genomic context (GRCh38, chr12:292,794, plus strand): 5'-TTGACTATAAACAGTTGGAACTCACCTTGTCCTTGCAGGGCCTTTGGCAGTTCTGTGCTG[C>T]GCACACAGCATTCTCATCATCAGACTCCTCTGCTCCTGACCAGTCATACTTTGAGGGGAT-3'
Protein context (NP_001036068.1, residues 1601-1621): EESDDENAVC[Ala1611Thr]AQNCQRPCKD